The following is an entry in ClinVar:

ClinVar aggregate classification (germline): Uncertain significance (1 of 4 stars; one submission).

Submission:

Ambry Genetics
Classification: Uncertain significance. Last evaluated: 2024-07-03. Review status: criteria provided, single submitter. Criteria: Ambry Variant Classification Scheme 2023. Collection method: clinical testing. Allele origin: germline.
Comment: The p.S1159C variant (also known as c.3476C>G), located in coding exon 17 of the NPAT gene, results from a C to G substitution at nucleotide position 3476. The serine at codon 1159 is replaced by cysteine, an amino acid with dissimilar properties. This amino acid position is conserved. In addition, this alteration is predicted to be tolerated by in silico analysis. Based on the available evidence, the clinical significance of this variant remains unclear.

NM_002519.3(NPAT):c.3476C>G (p.Ser1159Cys)

Gene: NPAT (nuclear protein, coactivator of histone transcription; minus strand). Cytogenetic location: 11q22.3.
Variant type: single nucleotide variant.
Coding change: c.3476C>G on transcript NM_002519.3 (MANE Select); coding-DNA position 3476, C replaced by G.
Protein change: p.Ser1159Cys; replaces serine 1159 with cysteine.
Molecular consequence: missense variant.
Genome position (GRCh38, 1-based): chr11:108,161,610, G>C on the plus strand (C>G on the coding strand, the complement: NPAT is on the minus strand). VCF-style: chr11-108161610-G-C. GRCh37 (hg19) VCF-style: chr11-108032337-G-C.
Other names: c.3497C>G, p.Ser1166Cys (NM_001321307.1); short protein forms S1159C, S1166C.
Identifiers: ClinVar variation 3407168 (VCV003407168.1).